The following is an entry in ClinVar:

ClinVar aggregate classification (germline): Pathogenic (1 of 4 stars; one submission).

Conditions:
Hereditary cancer-predisposing syndrome. Also called: Neoplastic Syndromes, Hereditary; Tumor predisposition; Hereditary Cancer Syndrome; Hereditary neoplastic syndrome. Identifiers: Orphanet 140162, MedGen C0027672, MeSH D009386, MONDO:0015356.

Submission:

Ambry Genetics
Classification: Pathogenic for Hereditary cancer-predisposing syndrome. Last evaluated: 2015-12-31. Review status: criteria provided, single submitter. Criteria: Ambry Variant Classification Scheme 2023. Collection method: clinical testing. Allele origin: germline.
Comment: The c.1689delG pathogenic mutation, located in coding exon 10 of the ATM gene, results from a deletion of one nucleotide at nucleotide position 1689, causing a translational frameshift with a predicted alternate stop codon. Since frameshifts are typically deleterious in nature, this alteration is interpreted as a disease-causing mutation (ACMG Recommendations for Standards for Interpretation and Reporting of Sequence Variations. Revision 2007. Genet Med. 2008;10:294).

NM_000051.4(ATM):c.1689del (p.Met563fs)

Gene: ATM (ATM serine/threonine kinase; plus strand). Cytogenetic location: 11q22.3.
Variant type: Deletion.
Coding change: c.1689del on transcript NM_000051.4 (MANE Select); coding-DNA position 1689, one base deleted (G; older notation c.1689delG).
Protein change: p.Met563fs; shifts the reading frame from methionine 563.
Molecular consequence: frameshift variant.
Genome position (GRCh38, 1-based): chr11:108,251,918, G deleted. VCF-style (leftmost placement, unchanged base first): chr11-108251917-TG-T. GRCh37 (hg19) VCF-style: chr11-108122644-TG-T.
Other names: c.1689del, p.Met563fs (NM_001351834.2); short protein forms M563fs.
Identifiers: ClinVar variation 1778081 (VCV001778081.2), dbSNP rs2497270038, ClinGen allele CA2580083792.
Genomic context (GRCh38, chr11:108,251,917, plus strand): 5'-CTTTGGCACTGACCACCAGTATAGTTCCAGGAACGGTAAAAATGGGAATAGAGCAAAATA[TG>T]TGTGAAGTAAATAGAAGCTTTTCTTTAAAGGAATCAATAATGAAATGGCTCTTATTCTAT-3'